The following is an entry in ClinVar:

ClinVar aggregate classification (germline): Uncertain significance (1 of 4 stars; one submission).

Conditions:
Cardiovascular phenotype. Identifiers: MedGen CN230736.
Hereditary cancer-predisposing syndrome. Also called: Tumor predisposition; Neoplastic Syndromes, Hereditary; Hereditary Cancer Syndrome; Hereditary neoplastic syndrome. Identifiers: Orphanet 140162, MedGen C0027672, MeSH D009386, MONDO:0015356.

Submission:

Ambry Genetics
Classification: Uncertain significance for Cardiovascular phenotype; Hereditary cancer-predisposing syndrome. Last evaluated: 2025-02-09. Review status: criteria provided, single submitter. Criteria: Ambry Variant Classification Scheme 2023. Collection method: clinical testing. Allele origin: germline.
Comment: The p.Q1596R variant (also known as c.4787A>G), located in coding exon 36 of the NF1 gene, results from an A to G substitution at nucleotide position 4787. The glutamine at codon 1596 is replaced by arginine, an amino acid with highly similar properties. This amino acid position is conserved. In addition, the in silico prediction for this alteration is inconclusive. Based on the available evidence, the clinical significance of this variant remains unclear.

NM_001042492.3(NF1):c.4850A>G (p.Gln1617Arg)

Gene: NF1 (neurofibromin 1; plus strand). Cytogenetic location: 17q11.2.
Variant type: single nucleotide variant.
Coding change: c.4850A>G on transcript NM_001042492.3 (MANE Select); coding-DNA position 4850, A replaced by G.
Protein change: p.Gln1617Arg; replaces glutamine 1617 with arginine.
Molecular consequence: missense variant.
Genome position (GRCh38, 1-based): chr17:31,325,834, A>G. VCF-style: chr17-31325834-A-G. GRCh37 (hg19) VCF-style: chr17-29652852-A-G.
Other names: c.4787A>G, p.Gln1596Arg (NM_000267.4); short protein forms Q1596R, Q1617R.
Identifiers: ClinVar variation 3879101 (VCV003879101.1).